The following is an entry in ClinVar:

NM_000350.3(ABCA4):c.4529C>T (p.Pro1510Leu)

Gene: ABCA4 (ATP binding cassette subfamily A member 4; minus strand). Cytogenetic location: 1p22.1.
Variant type: single nucleotide variant.
Coding change: c.4529C>T on transcript NM_000350.3 (MANE Select); coding-DNA position 4529, C replaced by T.
Protein change: p.Pro1510Leu; replaces proline 1510 with leucine.
Molecular consequence: missense variant.
Genome position (GRCh38, 1-based): chr1:94,029,455, G>A on the plus strand (C>T on the coding strand, the complement: ABCA4 is on the minus strand). VCF-style: chr1-94029455-G-A. GRCh37 (hg19) VCF-style: chr1-94495011-G-A.
Other names: c.4307C>T, p.Pro1436Leu (NM_001425324.1); c.4529C>T (NM_000350.2); short protein forms P1510L, P1436L.
Identifiers: ClinVar variation 502047 (VCV000502047.11), dbSNP rs756106154, ClinGen allele CA957587.

ClinVar aggregate classification (germline): Uncertain significance. Review status: criteria provided, multiple submitters, no conflicts (2 of 4 stars). 5 submissions from 5 submitters: Uncertain significance (5). Last evaluated 2026-02-27.

Conditions:
ABCA4-related disorder. Also called: ABCA4-related condition; ABCA4-related disorders. Identifiers: MedGen CN239167.
Inborn genetic diseases. Identifiers: MedGen C0950123, MeSH D030342.

Allele frequency attached by ClinVar (database versions not stated): gnomAD 0.00001; gnomAD exomes 0.00001; TOPMed 0.00004; ExAC 0.00005.
gnomAD v4.1: 25 of 1,553,972 alleles (0.0016%); highest among the groups gnomAD compares: Middle Eastern, 0.041%; no homozygotes.

Submissions (5):

PreventionGenetics, part of Exact Sciences
Classification: Uncertain significance for ABCA4-related condition. Last evaluated: 2026-02-27. Review status: criteria provided, single submitter. Criteria: ACMG Guidelines, 2015. Collection method: clinical testing. Allele origin: germline.
Comment: The ABCA4 c.4529C>T variant is predicted to result in the amino acid substitution p.Pro1510Leu. This variant has been reported in an individual with inherited retinal disease (Table S1, Lin et al. 2024. PubMed ID: 38219857). This variant is reported in 0.0042% of alleles in individuals of South Asian descent in gnomAD. At this time, the clinical significance of this variant is uncertain due to the absence of conclusive functional and genetic evidence.

Labcorp Genetics (formerly Invitae), Labcorp
Classification: Uncertain significance. Last evaluated: 2024-12-03. Review status: criteria provided, single submitter. Criteria: Invitae Variant Classification Sherloc (09022015). Collection method: clinical testing. Allele origin: germline.
Comment: This sequence change replaces proline, which is neutral and non-polar, with leucine, which is neutral and non-polar, at codon 1510 of the ABCA4 protein (p.Pro1510Leu). This variant is present in population databases (rs756106154, gnomAD 0.004%). This variant has not been reported in the literature in individuals affected with ABCA4-related conditions. ClinVar contains an entry for this variant (Variation ID: 502047). Invitae Evidence Modeling of protein sequence and biophysical properties (such as structural, functional, and spatial information, amino acid conservation, physicochemical variation, residue mobility, and thermodynamic stability) has been performed for this missense variant. However, the output from this modeling did not meet the statistical confidence thresholds required to predict the impact of this variant on ABCA4 protein function. In summary, the available evidence is currently insufficient to determine the role of this variant in disease. Therefore, it has been classified as a Variant of Uncertain Significance.

Blueprint Genetics
Classification: Uncertain significance. Last evaluated: 2024-08-15. Review status: criteria provided, single submitter. Criteria: ACMG Guidelines, 2015. Collection method: clinical testing. Allele origin: germline.

Ambry Genetics
Classification: Uncertain significance for Inborn genetic diseases. Last evaluated: 2021-07-27. Review status: criteria provided, single submitter. Criteria: Ambry Variant Classification Scheme 2023. Collection method: clinical testing. Allele origin: germline.

Eurofins Ntd Llc (ga)
Classification: Uncertain significance. Last evaluated: 2017-05-18. Review status: criteria provided, single submitter. Criteria: EGL Classification Definitions 2015. Collection method: clinical testing. Allele origin: germline. Observed: 1 variant allele, 1 heterozygote.